The following is an entry in ClinVar:

NM_032043.3(BRIP1):c.1A>G (p.Met1Val)

Gene: BRIP1 (BRCA1 interacting DNA helicase 1; minus strand). Cytogenetic location: 17q23.2.
Variant type: single nucleotide variant.
Coding change: c.1A>G on transcript NM_032043.3 (MANE Select); coding-DNA position 1, A replaced by G.
Protein change: p.Met1Val; changes the start codon (methionine 1).
Molecular consequence: missense variant, initiator codon variant.
Genome position (GRCh38, 1-based): chr17:61,861,539, T>C on the plus strand (A>G on the coding strand, the complement: BRIP1 is on the minus strand). VCF-style: chr17-61861539-T-C. GRCh37 (hg19) VCF-style: chr17-59938900-T-C.
Other names: short protein forms M1V.
Identifiers: ClinVar variation 187378 (VCV000187378.30), dbSNP rs764585550, ClinGen allele CA197496.
Genomic context (GRCh38, chr17:61,861,539, plus strand): 5'-CTTTATAAGGAAAGTAAATCTTCACCCCACCAATTGTATATTCAGACCACATTGAAGACA[T>C]AGTGCTTTCCTGTTTATTTCAGATTCCTAACTACAACAGAAATGAAAATGTCAAATATTG-3'
Protein context (NP_114432.2, residues 1-11): [Met1Val]SSMWSEYTIG

ClinVar aggregate classification (germline): Conflicting classifications of pathogenicity. Review status: criteria provided, conflicting classifications (1 of 4 stars). 9 submissions from 8 submitters: Pathogenic (1); Likely pathogenic (1); Uncertain significance (5). 2 of the submissions do not count toward it. Last evaluated 2025-12-13.

Conditions:
Genetic non-acquired premature ovarian failure. Identifiers: Orphanet 485382, MedGen C5925042.
Ovarian cancer. Also called: OVARIAN CANCER, SOMATIC. Identifiers: Orphanet 213500, MedGen C1140680, MONDO:0008170, OMIM 167000.
Hereditary cancer-predisposing syndrome. Also called: Hereditary Cancer Syndrome; Neoplastic Syndromes, Hereditary; Tumor predisposition; Hereditary neoplastic syndrome. Identifiers: Orphanet 140162, MedGen C0027672, MeSH D009386, MONDO:0015356.
Familial cancer of breast. Also called: BREAST CANCER, FAMILIAL; Hereditary breast cancer; hereditary breast carcinoma. Identifiers: Orphanet 227535, MedGen C0346153, MONDO:0016419, OMIM 114480. Disease mechanism: loss of function.
Fanconi anemia complementation group J. Also called: BRIP1-Related Fanconi Anemia. Identifiers: Orphanet 84, MedGen C1836860, MONDO:0012187, OMIM 609054.

Allele frequency attached by ClinVar (database versions not stated): ExAC 0.00001; gnomAD 0.00001; gnomAD exomes 0.00001 and 0.00002; TOPMed 0.00001.

Submissions (9):

Labcorp Genetics (formerly Invitae), Labcorp
Classification: Uncertain significance for Familial cancer of breast; Fanconi anemia complementation group J. Last evaluated: 2025-12-13. Review status: criteria provided, single submitter. Criteria: Invitae Variant Classification Sherloc (09022015). Collection method: clinical testing. Allele origin: germline.
Comment: This sequence change affects the initiator codon of the BRIP1 mRNA. This change may impact translation initiation or efficiency. The next in-frame methionine is located at codon 4. This variant is present in population databases (rs764585550, gnomAD 0.02%). Disruption of the initiator codon has been observed in individual(s) with breast cancer and/or pancreatic cancer (PMID: 32091409, 34326862, 38350919). ClinVar contains an entry for this variant (Variation ID: 187378). In summary, the available evidence is currently insufficient to determine the role of this variant in disease. Therefore, it has been classified as a Variant of Uncertain Significance.

Ambry Genetics
Classification: Uncertain significance for Hereditary cancer-predisposing syndrome. Last evaluated: 2025-09-19. Review status: criteria provided, single submitter. Criteria: Ambry Variant Classification Scheme 2023. Collection method: clinical testing. Allele origin: germline.
Comment: The p.M1? variant (also known as c.1A>G), located in coding exon 1 of the BRIP1 gene, results from an A to G substitution at nucleotide position 1. This alters the methionine at the initiation codon (ATG). Variations that modify the initiation codon (ATG) are expected to result in either loss of translation initiation, N-terminal truncation, or cause a shift in the mRNA reading frame; however there are alternate in-frame methionines 3 and 27 amino acids from the initiation site, which may result in N-terminal truncation of unknown functional significance. Based on the available evidence, the clinical significance of this variant remains unclear.

Color Diagnostics, LLC DBA Color Health
Classification: Uncertain significance for Hereditary cancer-predisposing syndrome. Last evaluated: 2023-12-07. Review status: criteria provided, single submitter. Criteria: ACMG Guidelines, 2015. Collection method: clinical testing. Allele origin: germline.
Comment: This variant alters the methionine at codon 1 in the BRIP1 protein and is expected to disrupt protein translation initiation. However, in-frame methionines located at codons 4, 28, or 29 could potentially serve as alternate translation start sites. To our knowledge, functional studies have not been performed to determine whether these methionines are utilized for translation initiation. This variant has been reported in individuals affected with breast cancer (PMID: 32091409, 33471991). In an international breast cancer case-control meta-analysis, this variant was detected in 9/60466 cases and 3/53461 unaffected controls (PMID: 33471991; OR=2.653, 95%CI 0.718 to 9.799, p-value=0.155). This variant has been identified in 4/251168 chromosomes in the general population by the Genome Aggregation Database (gnomAD). The available evidence is insufficient to determine the role of this variant in disease conclusively. Therefore, this variant is classified as a Variant of Uncertain Significance.

GeneDx
Classification: Uncertain significance. Last evaluated: 2023-04-18. Review status: criteria provided, single submitter. Criteria: GeneDx Variant Classification Process June 2021. Collection method: clinical testing. Allele origin: germline. Affected: yes.
Comment: Initiation codon variant in a gene for which a downstream in-frame ATG could serve as an alternate initiator codon that may result in a functional protein; Not observed at significant frequency in large population cohorts (gnomAD); Observed in individuals with breast cancer (Chen et al., 2020); This variant is associated with the following publications: (PMID: 35032816, 32091409)

Laboratory of Molecular Epidemiology of Birth Defects, West China Second University Hospital, Sichuan University
Classification: Likely pathogenic for Ovarian cancer. Last evaluated: 2022-01-01. Review status: criteria provided, single submitter. Criteria: ACMG Guidelines, 2015. Collection method: clinical testing. Allele origin: germline. Affected: yes.

Center for Reproductive Medicine, Shandong Provincial Hospital Affiliated to Shandong University
Classification: Pathogenic for Genetic non-acquired premature ovarian failure. Last evaluated: 2021-12-01. Review status: criteria provided, single submitter. Criteria: ACMG Guidelines, 2015. Collection method: research. Allele origin: maternal. Affected: yes. Observed: 1 variant allele.

Fulgent Genetics
Classification: Uncertain significance for Familial cancer of breast; Fanconi anemia complementation group J. Last evaluated: 2021-11-24. Review status: criteria provided, single submitter. Criteria: ACMG Guidelines, 2015. Collection method: clinical testing. Allele origin: unknown.

Counsyl
Classification: Uncertain significance for Fanconi anemia complementation group J. Last evaluated: 2016-10-27. Review status: no assertion criteria provided. Collection method: clinical testing. Allele origin: unknown. Not counted in ClinVar's aggregate classification.

Counsyl
Classification: Uncertain significance for Ovarian cancer. Last evaluated: 2016-10-27. Review status: no assertion criteria provided. Collection method: clinical testing. Allele origin: unknown. Not counted in ClinVar's aggregate classification.

Literature cited by the submitters: PubMed 32091409 (cited by Labcorp Genetics (formerly Invitae), Labcorp and Color Diagnostics, LLC DBA Color Health); PubMed 34326862 (cited by Labcorp Genetics (formerly Invitae), Labcorp); PubMed 38350919 (cited by Labcorp Genetics (formerly Invitae), Labcorp); PubMed 33471991 (cited by Color Diagnostics, LLC DBA Color Health).